The following is an entry in ClinVar:

ClinVar aggregate classification (germline): Uncertain significance (1 of 4 stars; one submission).

gnomAD v4.1: 1 of 1,614,228 alleles (0.000062%); highest among the groups gnomAD compares: Non-Finnish European, 0.000085%; no homozygotes.

Submission:

Labcorp Genetics (formerly Invitae), Labcorp
Classification: Uncertain significance. Last evaluated: 2025-10-26. Review status: criteria provided, single submitter. Criteria: Invitae Variant Classification Sherloc (09022015). Collection method: clinical testing. Allele origin: germline.
Comment: This sequence change replaces phenylalanine, which is neutral and non-polar, with valine, which is neutral and non-polar, at codon 1401 of the DUOX2 protein (p.Phe1401Val). This variant is not present in population databases (gnomAD no frequency). This variant has not been reported in the literature in individuals affected with DUOX2-related conditions. Invitae Evidence Modeling of protein sequence and biophysical properties (such as structural, functional, and spatial information, amino acid conservation, physicochemical variation, residue mobility, and thermodynamic stability) indicates that this missense variant is expected to disrupt DUOX2 protein function with a positive predictive value of 80%. In summary, the available evidence is currently insufficient to determine the role of this variant in disease. Therefore, it has been classified as a Variant of Uncertain Significance.

NM_001363711.2(DUOX2):c.4201T>G (p.Phe1401Val)

Gene: DUOX2 (dual oxidase 2; minus strand). Cytogenetic location: 15q21.1.
Variant type: single nucleotide variant.
Coding change: c.4201T>G on transcript NM_001363711.2 (MANE Select); coding-DNA position 4201, T replaced by G.
Protein change: p.Phe1401Val; replaces phenylalanine 1401 with valine.
Molecular consequence: missense variant.
Genome position (GRCh38, 1-based): chr15:45,095,475, A>C on the plus strand (T>G on the coding strand, the complement: DUOX2 is on the minus strand). VCF-style: chr15-45095475-A-C. GRCh37 (hg19) VCF-style: chr15-45387673-A-C.
Other names: c.4201T>G, p.Phe1401Val (NM_014080.5); short protein forms F1401V.
Identifiers: ClinVar variation 4747810 (VCV004747810.1).